The following is an entry in ClinVar:

ClinVar aggregate classification (somatic clinical impact): Tier II - Potential (1 of 4 stars; one submission).

Conditions:
Germinoma. Also called: Germinoma (disease). Identifiers: MedGen C0206660, MONDO:0002598, HP:0100620.

Submission:

Institute for Genomic Medicine (IGM) Clinical Laboratory, Nationwide Children's Hospital
Classification: Tier II - Potential for Germinoma. Assertion type: diagnostic. Clinical significance: supports diagnosis. Last evaluated: 2023-12-27. Review status: criteria provided, single submitter. Criteria: AMP/ASCO/CAP Guidelines, 2017. Collection method: clinical testing. Allele origin: somatic. Affected: yes.
Comment: Variant has Tier II (potential) clinical significance as a diagnostic inclusion criterion in germinoma, based on the following evidence: 1) Assists in diagnosis alone or along with other biomarkers based on small studies or few case reports (Evidence Level D; PMID: 32721511).

Literature cited by the submitters: PubMed 32721511.

NM_006908.5(RAC1):c.53G>T (p.Cys18Phe)

Gene: RAC1 (Rac family small GTPase 1; plus strand). Cytogenetic location: 7p22.1.
Variant type: single nucleotide variant.
Coding change: c.53G>T on transcript NM_006908.5 (MANE Select); coding-DNA position 53, G replaced by T.
Protein change: p.Cys18Phe; replaces cysteine 18 with phenylalanine.
Molecular consequence: missense variant.
Genome position (GRCh38, 1-based): chr7:6,387,229, G>T. VCF-style: chr7-6387229-G-T. GRCh37 (hg19) VCF-style: chr7-6426860-G-T.
Other names: c.53G>T, p.Cys18Phe (NM_018890.4); short protein forms C18F.
Identifiers: ClinVar variation 4530305 (VCV004530305.1).